The following is an entry in ClinVar:

ClinVar aggregate classification (germline): Uncertain significance. Review status: criteria provided, multiple submitters, no conflicts (2 of 4 stars). 4 submissions from 4 submitters: Uncertain significance (3). 1 of the submissions does not count toward it. Last evaluated 2024-07-24.

Conditions:
COL17A1-related disorder. Also called: COL17A1-related condition.
Junctional epidermolysis bullosa, non-Herlitz type. Also called: EPIDERMOLYSIS BULLOSA JUNCTIONALIS, DISENTIS TYPE; EPIDERMOLYSIS BULLOSA JUNCTIONALIS, NON-HERLITZ TYPE; EPIDERMOLYSIS BULLOSA JUNCTIONALIS, PROGRESSIVE; EPIDERMOLYSIS BULLOSA JUNCTIONALIS, SEVERE NONLETHAL; Adult junctional epidermolysis bullosa; Epidermolysis bullosa, junctional, non-herlitz type, somatic mosaic revertant. Identifiers: Orphanet 251393, Orphanet 79402, Orphanet 79405, Orphanet 89840, MedGen C0268374, MONDO:0009180, OMIM 226650.

Allele frequency attached by ClinVar (database versions not stated): 1000 Genomes Project 30x 0.00047; ExAC 0.00057; 1000 Genomes Project 0.00060; ESP Exome Variant Server 0.00069; gnomAD 0.00070; TOPMed 0.00074.
gnomAD v4.1: 1,818 of 1,614,112 alleles (0.11%); highest among the groups gnomAD compares: Non-Finnish European, 0.14%; 3 homozygotes.

Submissions (4):

Labcorp Genetics (formerly Invitae), Labcorp
Classification: Uncertain significance. Last evaluated: 2024-07-24. Review status: criteria provided, single submitter. Criteria: Invitae Variant Classification Sherloc (09022015). Collection method: clinical testing. Allele origin: germline.
Comment: This sequence change replaces arginine, which is basic and polar, with glutamine, which is neutral and polar, at codon 1069 of the COL17A1 protein (p.Arg1069Gln). This variant is present in population databases (rs147631156, gnomAD 0.1%), and has an allele count higher than expected for a pathogenic variant. This variant has not been reported in the literature in individuals affected with COL17A1-related conditions. ClinVar contains an entry for this variant (Variation ID: 298699). An algorithm developed to predict the effect of missense changes on protein structure and function outputs the following: PolyPhen-2: "Benign". The glutamine amino acid residue is found in multiple mammalian species, which suggests that this missense change does not adversely affect protein function. In summary, the available evidence is currently insufficient to determine the role of this variant in disease. Therefore, it has been classified as a Variant of Uncertain Significance.

Department of Pathology and Laboratory Medicine, Sinai Health System
Classification: Uncertain significance for junctional epidermolysis bullosa, non-Herlitz type. Last evaluated: 2021-07-30. Review status: criteria provided, single submitter. Criteria: ACMG Guidelines, 2015. Collection method: research. Allele origin: germline.

Illumina Laboratory Services, Illumina
Classification: Uncertain significance for Junctional epidermolysis bullosa, non-Herlitz type. Last evaluated: 2018-01-13. Review status: criteria provided, single submitter. Criteria: ICSL Variant Classification Criteria 13 December 2019. Collection method: clinical testing. Allele origin: germline.

PreventionGenetics, part of Exact Sciences
Classification: Likely benign for COL17A1-related condition. Last evaluated: 2024-01-02. Review status: no assertion criteria provided. Collection method: clinical testing. Allele origin: germline. Not counted in ClinVar's aggregate classification.
Comment: This variant is classified as likely benign based on ACMG/AMP sequence variant interpretation guidelines (Richards et al. 2015 PMID: 25741868, with internal and published modifications).

NM_000494.4(COL17A1):c.3206G>A (p.Arg1069Gln)

Gene: COL17A1 (collagen type XVII alpha 1 chain; minus strand). Cytogenetic location: 10q25.1.
Variant type: single nucleotide variant.
Coding change: c.3206G>A on transcript NM_000494.4 (MANE Select); coding-DNA position 3206, G replaced by A.
Protein change: p.Arg1069Gln; replaces arginine 1069 with glutamine.
Molecular consequence: missense variant.
Genome position (GRCh38, 1-based): chr10:104,037,638, C>T on the plus strand (G>A on the coding strand, the complement: COL17A1 is on the minus strand). VCF-style: chr10-104037638-C-T. GRCh37 (hg19) VCF-style: chr10-105797396-C-T.
Other names: c.3206G>A, p.Arg1069Gln (LRG_1249t1); short protein forms R1069Q.
Identifiers: ClinVar variation 298699 (VCV000298699.9), dbSNP rs147631156, ClinGen allele CA5678074.
Genomic context (GRCh38, chr10:104,037,638, plus strand): 5'-AGCAAAAGCAGACCCACAGGAGGAAGGTGCCAGGTGCAGGGCGTGGGGAAGGGCTTACTC[C>T]GTAAGTAGCTCACAACGTGGCTTGCCAGCTCTGAGTAGTCGAAAGTCTCGCCTGTGATGG-3'
Protein context (NP_000485.3, residues 1059-1079): ELASHVVSYL[Arg1069Gln]TSGYGVSLFS